The following is an entry in ClinVar:

NM_001010892.3(RSPH4A):c.1105G>C (p.Ala369Pro)

Gene: RSPH4A (radial spoke head component 4A; plus strand). Cytogenetic location: 6q22.1.
Variant type: single nucleotide variant.
Coding change: c.1105G>C on transcript NM_001010892.3 (MANE Select); coding-DNA position 1105, G replaced by C.
Protein change: p.Ala369Pro; replaces alanine 369 with proline.
Molecular consequence: missense variant.
Genome position (GRCh38, 1-based): chr6:116,627,812, G>C. VCF-style: chr6-116627812-G-C. GRCh37 (hg19) VCF-style: chr6-116948975-G-C.
Other names: c.1105G>C, p.Ala369Pro (NM_001161664.2); short protein forms A369P.
Identifiers: ClinVar variation 2571259 (VCV002571259.29), dbSNP rs1775721560, ClinGen allele CA365403838.

ClinVar aggregate classification (germline): Conflicting classifications of pathogenicity. Review status: criteria provided, conflicting classifications (1 of 4 stars). 3 submissions from 2 submitters: Likely pathogenic (1); Uncertain significance (2). Last evaluated 2026-06-05.

Conditions:
Primary ciliary dyskinesia 11. Also called: CILIARY DYSKINESIA, PRIMARY, 11, WITHOUT SITUS INVERSUS. Identifiers: Orphanet 244, MedGen C2675229, MONDO:0012978, OMIM 612649.
Primary ciliary dyskinesia. Also called: Ciliary dyskinesia. Identifiers: Orphanet 244, MedGen C0008780, MONDO:0016575, HP:0012265.

Submissions (3):

Department of Human Genetics, Hannover Medical School
Classification: Likely pathogenic for Primary ciliary dyskinesia 11. Last evaluated: 2026-06-05. Review status: criteria provided, single submitter. Criteria: ACMG Guidelines, 2015. Collection method: clinical testing. Allele origin: germline. Affected: yes.
Comment: PM2 supporting, PM3, PP1, PP3 moderate, PP4 moderate

Department of Human Genetics, Hannover Medical School
Classification: Uncertain significance for Primary Ciliary Dyskinesia. Last evaluated: 2026-04-01. Review status: criteria provided, single submitter. Criteria: ACMG Guidelines, 2015. Collection method: research. Allele origin: germline. Affected: yes.
Comment: Classification performed by HerediClassify using the following criteria:['PM2_supporting: Variant occures does not occur as homozygous in gnomAD.', 'PP3_protein_supporting: Variant is predicted to be pathogenic by REVEL with evidence strength supporting.', "PP4_moderate: The PICADAR socre of 8.0 exceeds threshold of 8 achieving 'strong' evidence strength."]

CeGaT Center for Human Genetics Tuebingen
Classification: Uncertain significance. Last evaluated: 2024-07-01. Review status: criteria provided, single submitter. Criteria: CeGaT Center For Human Genetics Tuebingen Variant Classification Criteria Version 2. Collection method: clinical testing. Allele origin: germline. Affected: yes. Observed: 3 variant alleles.
Comment: RSPH4A: PM2, PM3, PP4